The following is an entry in ClinVar:

NM_015202.5(KATNIP):c.4077A>G (p.Gln1359=)

Genes: KATNIP (katanin interacting protein; plus strand), LOC126862323 (P300/CBP strongly-dependent group 1 enhancer GRCh37_chr16:27780758-27781957; plus strand). Cytogenetic location: 16p12.1.
Variant type: single nucleotide variant.
Coding change: c.4077A>G on transcript NM_015202.5 (MANE Select); coding-DNA position 4077, A replaced by G.
Protein change: p.Gln1359=; no amino-acid change (glutamine 1359 retained).
Molecular consequence: synonymous variant.
Genome position (GRCh38, 1-based): chr16:27,769,962, A>G. VCF-style: chr16-27769962-A-G. GRCh37 (hg19) VCF-style: chr16-27781283-A-G.
Other names: c.4077A>G (NM_015202.3).
Identifiers: ClinVar variation 2958884 (VCV002958884.5), dbSNP rs373831798, ClinGen allele CA7978482.

ClinVar aggregate classification (germline): Likely benign. Review status: criteria provided, single submitter (1 of 4 stars). 2 submissions from 2 submitters: Likely benign (1). 1 of the submissions does not count toward it. Last evaluated 2025-08-04.

Conditions:
KATNIP-related disorder. Also called: KATNIP-related condition.

Allele frequency attached by ClinVar (database versions not stated): gnomAD 0.00007; TOPMed 0.00009; ESP Exome Variant Server 0.00015; ExAC 0.00003; gnomAD exomes 0.00004.
gnomAD v4.1: 62 of 1,614,134 alleles (0.0038%); highest among the groups gnomAD compares: Middle Eastern, 0.016%; no homozygotes.

Submissions (2):

Labcorp Genetics (formerly Invitae), Labcorp
Classification: Likely benign. Last evaluated: 2025-08-04. Review status: criteria provided, single submitter. Criteria: Invitae Variant Classification Sherloc (09022015). Collection method: clinical testing. Allele origin: germline.

PreventionGenetics, part of Exact Sciences
Classification: Likely benign for KATNIP-related condition. Last evaluated: 2019-03-06. Review status: no assertion criteria provided. Collection method: clinical testing. Allele origin: germline. Not counted in ClinVar's aggregate classification.
Comment: This variant is classified as likely benign based on ACMG/AMP sequence variant interpretation guidelines (Richards et al. 2015 PMID: 25741868, with internal and published modifications).